The following is an entry in ClinVar:

NM_004364.5(CEBPA):c.1063G>A (p.Gly355Ser)

Gene: CEBPA (CCAAT enhancer binding protein alpha; minus strand). Cytogenetic location: 19q13.11.
Variant type: single nucleotide variant.
Coding change: c.1063G>A on transcript NM_004364.5 (MANE Select); coding-DNA position 1063, G replaced by A.
Protein change: p.Gly355Ser; replaces glycine 355 with serine.
Molecular consequence: missense variant.
Genome position (GRCh38, 1-based): chr19:33,301,352, C>T on the plus strand (G>A on the coding strand, the complement: CEBPA is on the minus strand). VCF-style: chr19-33301352-C-T. GRCh37 (hg19) VCF-style: chr19-33792258-C-T.
Other names: c.706G>A, p.Gly236Ser (NM_001285829.2); c.1168G>A, p.Gly390Ser (NM_001287424.2); c.1021G>A, p.Gly341Ser (NM_001287435.2); short protein forms G355S, G236S, G341S, G390S.
Identifiers: ClinVar variation 2154334 (VCV002154334.5), dbSNP rs1402033817, ClinGen allele CA405273618.
Genomic context (GRCh38, chr19:33,301,352, plus strand): 5'-GGTCCCCGCCGGAGGCTGGCCCAGGGCGGTCCCACAGCCGCGCGCCTCACGCGCAGTTGC[C>T]CATGGCCTTGACCAAGGAGCTCTCTGGCAGCTGGCGGAAGATGCCCCGCAGCGTGTCCAG-3'
Protein context (NP_004355.2, residues 345-358): LPESSLVKAM[Gly355Ser]NCA

ClinVar aggregate classification (germline): Conflicting classifications of pathogenicity. Review status: criteria provided, conflicting classifications (1 of 4 stars). 2 submissions from 2 submitters: Uncertain significance (1); Likely benign (1). Last evaluated 2025-01-15.

Conditions:
Acute myeloid leukemia (AML). Also called: Acute myeloid leukemia, adult; AML adult; Acute non-lymphocytic leukemia; Acute granulocytic leukemia; Leukemia, acute myeloid, somatic; Leukemia, acute myelogenous, somatic. Identifiers: Orphanet 519, MedGen C0023467, MeSH D015470, MONDO:0018874, OMIM 601626, HP:0004808. Disease mechanism: Constitutively activated FLT3.
Inborn genetic diseases. Identifiers: MedGen C0950123, MeSH D030342.

Allele frequency attached by ClinVar (database versions not stated): gnomAD exomes below 0.00001.

Submissions (2):

Ambry Genetics
Classification: Likely benign for Inborn genetic diseases. Last evaluated: 2025-01-15. Review status: criteria provided, single submitter. Criteria: Ambry Variant Classification Scheme 2023. Collection method: clinical testing. Allele origin: germline.

Labcorp Genetics (formerly Invitae), Labcorp
Classification: Uncertain significance for Acute myeloid leukemia. Last evaluated: 2022-03-23. Review status: criteria provided, single submitter. Criteria: Invitae Variant Classification Sherloc (09022015). Collection method: clinical testing. Allele origin: germline.
Comment: This sequence change replaces glycine, which is neutral and non-polar, with serine, which is neutral and polar, at codon 355 of the CEBPA protein (p.Gly355Ser). The frequency data for this variant in the population databases is considered unreliable, as metrics indicate poor data quality at this position in the gnomAD database. This variant has not been reported in the literature in individuals affected with CEBPA-related conditions. Algorithms developed to predict the effect of missense changes on protein structure and function output the following: SIFT: "Tolerated"; PolyPhen-2: "Probably Damaging"; Align-GVGD: "Class C0". The serine amino acid residue is found in multiple mammalian species, which suggests that this missense change does not adversely affect protein function. In summary, the available evidence is currently insufficient to determine the role of this variant in disease. Therefore, it has been classified as a Variant of Uncertain Significance.